The following is an entry in ClinVar:

ClinVar aggregate classification (germline): Conflicting classifications of pathogenicity. Review status: criteria provided, conflicting classifications (1 of 4 stars). 2 submissions from 2 submitters: Uncertain significance (1); Benign (1). Last evaluated 2025-03-18.

Conditions:
Hereditary pheochromocytoma and paraganglioma. Also called: Hereditary pheochromocytoma-paraganglioma; Hereditary Paraganglioma-Pheochromocytoma Syndromes; Hereditary paragangliomas and pheochromocytomas. Identifiers: Orphanet 29072, MedGen C4274332, MONDO:0017366.
Pheochromocytoma/paraganglioma syndrome 1. Also called: PARAGANGLIOMAS, FAMILIAL NONCHROMAFFIN, 1; PGL 1; Paragangliomas familial 1; PARAGANGLIOMATA; Paragangliomas 1; Glomus tumors familial 1. Identifiers: Orphanet 29072, MedGen C3494181, MONDO:0008192, OMIM 168000.

Allele frequency attached by ClinVar (database versions not stated): ExAC 0.00002; TOPMed 0.00003; gnomAD 0.00004.

Submissions (2):

Myriad Genetics, Inc.
Classification: Benign for Pheochromocytoma/paraganglioma syndrome 1. Last evaluated: 2025-03-18. Review status: criteria provided, single submitter. Criteria: Myriad Autosomal Dominant, Autosomal Recessive and X-Linked Classification Criteria (2023). Collection method: clinical testing. Allele origin: unknown.
Comment: This variant is considered benign. This variant occurs in the non-coding 3' untranslated region of the gene and is not expected to impact protein function.

All of Us Research Program, National Institutes of Health
Classification: Uncertain significance for Hereditary pheochromocytoma and paraganglioma. Last evaluated: 2024-09-23. Review status: criteria provided, single submitter. Criteria: ACMG Guidelines, 2015. Collection method: clinical testing. Allele origin: germline. Inheritance: Autosomal dominant inheritance. Observed: 5 variant alleles, 5 heterozygotes.
Comment: This variant is located in the SDHD protein. To our knowledge, functional studies have not been reported for this variant. This variant has not been reported in individuals affected with SDHD-related disorders in the literature. This variant has been identified in 2/279150 chromosomes in the general population by the Genome Aggregation Database (gnomAD). The available evidence is insufficient to determine the role of this variant in disease conclusively. Therefore, this variant is classified as a Variant of Uncertain Significance.

This study involves interpretation of variants in research participants for the purpose of population health screening. Participant phenotype was not available at the time of variant classification. Additional details can be found in publication PMID: 35346344, PMCID: PMC8962531

NM_003002.4(SDHD):c.*1_*2insTTCATA

Gene: SDHD (succinate dehydrogenase complex subunit D; plus strand). Cytogenetic location: 11q23.1.
Variant type: Insertion.
Coding change: c.*1_*2insTTCATA on transcript NM_003002.4 (MANE Select); 1 bases downstream of the stop codon through 2 bases downstream of the stop codon, TTCATA inserted.
Molecular consequence: 3 prime UTR variant. On other transcripts: non-coding transcript variant (1).
Genome position: GRCh38 VCF-style: chr11-112094971-C-CTTCATA. GRCh37 (hg19) VCF-style: chr11-111965695-C-CTTCATA.
Other names: c.*78_*79insTTCATA (NM_001276503.2); c.*1_*2insTTCATA (NM_001276504.2); c.*179_*180insTTCATA (NM_001276506.2).
Identifiers: ClinVar variation 3070697 (VCV003070697.3), dbSNP rs771943101, ClinGen allele CA6277638.
Genomic context (GRCh38, chr11:112,094,971, plus strand): 5'-TATTTCAACTATCACGATGTGGGCATCTGCAAAGCTGTTGCCATGCTGTGGAAGCTCTGA[C>CTTCATA]CTTTTTGACTTCATACTTTGAAGAATTGATGTATGCCTCTTTGCCTCTGCTTTGTCATGC-3'